The following is an entry in ClinVar:

ClinVar aggregate classification (germline): Benign/Likely benign. Review status: criteria provided, multiple submitters, no conflicts (2 of 4 stars). 3 submissions from 3 submitters: Benign (1); Likely benign (1). 1 of the submissions does not count toward it. Last evaluated 2026-09-01.

Conditions:
DNAH1-related disorder. Also called: DNAH1-related condition.
Spermatogenic failure 18. Identifiers: MedGen C4539783, MONDO:0054615, OMIM 617576.
Ciliary dyskinesia, primary, 37 (CILD37). Also called: CILIARY DYSKINESIA, PRIMARY, 37, WITH OR WITHOUT SITUS INVERSUS. Identifiers: MedGen C4539798, MONDO:0033204, OMIM 617577.

Allele frequency attached by ClinVar (database versions not stated): 1000 Genomes Project 0.00220; 1000 Genomes Project 30x 0.00234; ESP Exome Variant Server 0.00382; TOPMed 0.00398; gnomAD 0.00448 and 0.00455; gnomAD exomes 0.00489 and 0.00553.
gnomAD v4.1: 8,695 of 1,612,762 alleles (0.54%); highest among the groups gnomAD compares: South Asian, 0.7%; 42 homozygotes.

Submissions (3):

CeGaT Center for Human Genetics Tuebingen
Classification: Likely benign. Last evaluated: 2026-09-01. Review status: criteria provided, single submitter. Criteria: CeGaT Center For Human Genetics Tuebingen Variant Classification Criteria Version 2. Collection method: clinical testing. Allele origin: germline. Affected: yes. Observed: 15 variant alleles.
Comment: DNAH1: BP4, BP7, BS2

Labcorp Genetics (formerly Invitae), Labcorp
Classification: Benign for Ciliary dyskinesia, primary, 37; Spermatogenic failure 18. Last evaluated: 2026-02-01. Review status: criteria provided, single submitter. Criteria: Invitae Variant Classification Sherloc (09022015). Collection method: clinical testing. Allele origin: germline.

PreventionGenetics, part of Exact Sciences
Classification: Likely benign for DNAH1-related condition. Last evaluated: 2019-11-05. Review status: no assertion criteria provided. Collection method: clinical testing. Allele origin: germline. Not counted in ClinVar's aggregate classification.
Comment: This variant is classified as likely benign based on ACMG/AMP sequence variant interpretation guidelines (Richards et al. 2015 PMID: 25741868, with internal and published modifications).

NM_015512.5(DNAH1):c.2919C>T (p.His973=)

Gene: DNAH1 (dynein axonemal heavy chain 1; plus strand). Cytogenetic location: 3p21.1.
Variant type: single nucleotide variant.
Coding change: c.2919C>T on transcript NM_015512.5 (MANE Select); coding-DNA position 2919, C replaced by T.
Protein change: p.His973=; no amino-acid change (histidine 973 retained).
Molecular consequence: synonymous variant.
Genome position (GRCh38, 1-based): chr3:52,352,599, C>T. VCF-style: chr3-52352599-C-T. GRCh37 (hg19) VCF-style: chr3-52386615-C-T.
Identifiers: ClinVar variation 478435 (VCV000478435.45), dbSNP rs149114984, ClinGen allele CA2433429.
Genomic context (GRCh38, chr3:52,352,599, plus strand): 5'-CCTTGGCCTGCAGCTGGTAGTAGCTGGCTTCTCCATCCATGTGGAGATTTCACGTGCACA[C>T]GAGATCGCCAACGAGGTGCGGCGTGTCAAGAAGCAGCTGAAGGACTGCCAGCAGCTGGCC-3'
Protein context (NP_056327.4, residues 963-983): FSIHVEISRA[His973=]EIANEVRRVK